The following is an entry in ClinVar:

ClinVar aggregate classification (germline): Conflicting classifications of pathogenicity. Review status: criteria provided, conflicting classifications (1 of 4 stars). 2 submissions from 2 submitters: Uncertain significance (1); Likely benign (1). Last evaluated 2024-12-04.

Conditions:
CREBBP-related disorder. Also called: CREBBP-related disorders; CREBBP-related condition.
Rubinstein-Taybi syndrome (RSTS). Identifiers: Orphanet 783, MedGen C0035934, MONDO:0019188.

gnomAD v4.1: 8 of 1,613,354 alleles (0.0005%); highest among the groups gnomAD compares: African/African-American, 0.0013%; no homozygotes.

Submissions (2):

PreventionGenetics, part of Exact Sciences
Classification: Uncertain significance for CREBBP-related condition. Last evaluated: 2024-12-04. Review status: criteria provided, single submitter. Criteria: ACMG Guidelines, 2015. Collection method: clinical testing. Allele origin: germline.
Comment: The CREBBP c.6215G>A variant is predicted to result in the amino acid substitution p.Arg2072Gln. To our knowledge, this variant has not been reported in the literature. This variant is reported in 0.0065% of alleles in individuals of European (Non-Finnish) descent in gnomAD. At this time, the clinical significance of this variant is uncertain due to the absence of conclusive functional and genetic evidence.

Labcorp Genetics (formerly Invitae), Labcorp
Classification: Likely benign for Rubinstein-Taybi syndrome. Last evaluated: 2024-04-16. Review status: criteria provided, single submitter. Criteria: Invitae Variant Classification Sherloc (09022015). Collection method: clinical testing. Allele origin: germline.

NM_004380.3(CREBBP):c.6215G>A (p.Arg2072Gln)

Gene: CREBBP (CREB binding lysine acetyltransferase; minus strand). Cytogenetic location: 16p13.3.
Variant type: single nucleotide variant.
Coding change: c.6215G>A on transcript NM_004380.3 (MANE Select); coding-DNA position 6215, G replaced by A.
Protein change: p.Arg2072Gln; replaces arginine 2072 with glutamine.
Molecular consequence: missense variant.
Genome position (GRCh38, 1-based): chr16:3,728,832, C>T on the plus strand (G>A on the coding strand, the complement: CREBBP is on the minus strand). VCF-style: chr16-3728832-C-T. GRCh37 (hg19) VCF-style: chr16-3778833-C-T.
Other names: c.6101G>A, p.Arg2034Gln (NM_001079846.1); short protein forms R2034Q, R2072Q.
Identifiers: ClinVar variation 3351808 (VCV003351808.4).